The following is an entry in ClinVar:

NM_198503.5(KCNT2):c.481A>G (p.Asn161Asp)

Gene: KCNT2 (potassium sodium-activated channel subfamily T member 2; minus strand). Cytogenetic location: 1q31.3.
Variant type: single nucleotide variant.
Coding change: c.481A>G on transcript NM_198503.5 (MANE Select); coding-DNA position 481, A replaced by G.
Protein change: p.Asn161Asp; replaces asparagine 161 with aspartic acid.
Molecular consequence: missense variant. On other transcripts: non-coding transcript variant (2).
Genome position (GRCh38, 1-based): chr1:196,467,765, T>C on the plus strand (A>G on the coding strand, the complement: KCNT2 is on the minus strand). VCF-style: chr1-196467765-T-C. GRCh37 (hg19) VCF-style: chr1-196436895-T-C.
Other names: c.481A>G, p.Asn161Asp (NM_001287819.3, NM_001287820.3); short protein forms N161D.
Identifiers: ClinVar variation 3026894 (VCV003026894.22), dbSNP rs2527094695, ClinGen allele CA344082165.

ClinVar aggregate classification (germline): Uncertain significance (1 of 4 stars; one submission).

Submission:

CeGaT Center for Human Genetics Tuebingen
Classification: Uncertain significance. Last evaluated: 2024-01-01. Review status: criteria provided, single submitter. Criteria: CeGaT Center For Human Genetics Tuebingen Variant Classification Criteria Version 2. Collection method: clinical testing. Allele origin: germline. Affected: yes. Observed: 1 variant allele.
Comment: KCNT2: PM2